The following is an entry in ClinVar:

NM_004268.5(MED17):c.1013-1G>A

Gene: MED17 (mediator complex subunit 17; plus strand). Cytogenetic location: 11q21.
Variant type: single nucleotide variant.
Coding change: c.1013-1G>A on transcript NM_004268.5 (MANE Select); the canonical splice acceptor site of the intron before coding-DNA position 1013, G replaced by A.
Molecular consequence: splice acceptor variant.
Genome position (GRCh38, 1-based): chr11:93,796,409, G>A. VCF-style: chr11-93796409-G-A. GRCh37 (hg19) VCF-style: chr11-93529575-G-A.
Other names: c.1013-1G>A (NM_004268.4).
Identifiers: ClinVar variation 1487568 (VCV001487568.8), dbSNP rs767023414, ClinGen allele CA6232504.

ClinVar aggregate classification (germline): Likely pathogenic. Review status: criteria provided, multiple submitters, no conflicts (2 of 4 stars). 3 submissions from 3 submitters: Likely pathogenic (3). Last evaluated 2025-07-23.

Conditions:
Infantile cerebral and cerebellar atrophy with postnatal progressive microcephaly (MSBA). Identifiers: Orphanet 402364, MedGen C3150921, MONDO:0013351, OMIM 613668.

Allele frequency attached by ClinVar (database versions not stated): gnomAD exomes below 0.00001; TOPMed below 0.00001; ExAC 0.00001; gnomAD 0.00001.
gnomAD v4.1: 5 of 1,610,924 alleles (0.00031%); highest among the groups gnomAD compares: Non-Finnish European, 0.000085%; no homozygotes.

Submissions (3):

Natera, Inc.
Classification: Likely pathogenic for Postnatal progressive microcephaly with seizures and brain atrophy. Last evaluated: 2025-07-23. Review status: criteria provided, single submitter. Criteria: Natera Variant Classification Schema (03/2026). Collection method: clinical testing. Allele origin: germline.
Comment: The c.1013-1G>A variant in MED17 is a canonical splice acceptor site variant predicted to affect pre-mRNA splicing, which may result in an abnormal transcript and altered protein product. This variant is expected to result in nonsense mediated decay, truncation, or a dysfunctional protein product. This variant is rare in the general population with a frequency below the threshold expected for the associated phenotype(s). Given the available evidence, this variant is classified as Likely Pathogenic.

Fulgent Genetics
Classification: Likely pathogenic for Infantile cerebral and cerebellar atrophy with postnatal progressive microcephaly. Last evaluated: 2024-05-31. Review status: criteria provided, single submitter. Criteria: ACMG Guidelines, 2015. Collection method: clinical testing. Allele origin: germline.

Labcorp Genetics (formerly Invitae), Labcorp
Classification: Likely pathogenic. Last evaluated: 2023-10-06. Review status: criteria provided, single submitter. Criteria: Invitae Variant Classification Sherloc (09022015). Collection method: clinical testing. Allele origin: germline.
Comment: This sequence change affects an acceptor splice site in intron 6 of the MED17 gene. It is expected to disrupt RNA splicing. Variants that disrupt the donor or acceptor splice site typically lead to a loss of protein function (PMID: 16199547), and loss-of-function variants in MED17 are known to be pathogenic (PMID: 20950787, 26004231, 30345598). This variant is present in population databases (rs767023414, gnomAD 0.01%). This variant has not been reported in the literature in individuals affected with MED17-related conditions. ClinVar contains an entry for this variant (Variation ID: 1487568). Algorithms developed to predict the effect of sequence changes on RNA splicing suggest that this variant may disrupt the consensus splice site. In summary, the currently available evidence indicates that the variant is pathogenic, but additional data are needed to prove that conclusively. Therefore, this variant has been classified as Likely Pathogenic.

Literature cited by the submitters: PubMed 16199547 (cited by Labcorp Genetics (formerly Invitae), Labcorp); PubMed 20950787 (cited by Labcorp Genetics (formerly Invitae), Labcorp); PubMed 26004231 (cited by Labcorp Genetics (formerly Invitae), Labcorp); PubMed 30345598 (cited by Labcorp Genetics (formerly Invitae), Labcorp).